The following is an entry in ClinVar:

ClinVar aggregate classification (germline): Uncertain significance. Review status: criteria provided, multiple submitters, no conflicts (2 of 4 stars). 2 submissions from 2 submitters: Uncertain significance (2). Last evaluated 2025-06-24.

Submissions (2):

Quest Diagnostics Nichols Institute San Juan Capistrano
Classification: Uncertain significance. Last evaluated: 2025-06-24. Review status: criteria provided, single submitter. Criteria: Quest Diagnostics criteria. Collection method: clinical testing. Allele origin: unknown.
Comment: The VWF c.5129T>G (p.Met1710Arg) variant has not been reported in individuals with VWF-related conditions in the published literature. It also has not been reported in large, multi-ethnic general populations (Genome Aggregation Database). Analysis of this variant using bioinformatics tools for the prediction of the effect of amino acid changes on protein structure and function yielded predictions that this variant is damaging. Based on the available information, we are unable to determine the clinical significance of this variant.

Mayo Clinic Laboratories, Mayo Clinic
Classification: Uncertain significance. Last evaluated: 2023-09-21. Review status: criteria provided, single submitter. Criteria: ACMG Guidelines, 2015. Collection method: clinical testing. Allele origin: germline. Observed: 1 variant allele.
Comment: PP3, PM2_moderate

NM_000552.5(VWF):c.5129T>G (p.Met1710Arg)

Gene: VWF (von Willebrand factor; minus strand). Cytogenetic location: 12p13.31.
Variant type: single nucleotide variant.
Coding change: c.5129T>G on transcript NM_000552.5 (MANE Select); coding-DNA position 5129, T replaced by G.
Protein change: p.Met1710Arg; replaces methionine 1710 with arginine.
Molecular consequence: missense variant.
Genome position (GRCh38, 1-based): chr12:6,016,795, A>C on the plus strand (T>G on the coding strand, the complement: VWF is on the minus strand). VCF-style: chr12-6016795-A-C. GRCh37 (hg19) VCF-style: chr12-6125961-A-C.
Other names: p.Met1710Arg; short protein forms M1710R.
Identifiers: ClinVar variation 3380070 (VCV003380070.2).